The following is an entry in ClinVar:

ClinVar aggregate classification (germline): Uncertain significance (1 of 4 stars; one submission).

Submission:

Centre of Medical Genetics, University Hospital Muenster
Classification: Uncertain significance. Last evaluated: 2022-08-18. Review status: criteria provided, single submitter. Criteria: ACMG Guidelines, 2015. Collection method: clinical testing. Allele origin: unknown. Affected: yes. Observed: 1 variant allele, 1 heterozygote.
Comment: ACMG categories: PM2,PP3

NM_001385012.1(NBEA):c.2322G>T (p.Lys774Asn)

Gene: NBEA (neurobeachin; plus strand). Cytogenetic location: 13q13.3.
Variant type: single nucleotide variant.
Coding change: c.2322G>T on transcript NM_001385012.1 (MANE Select); coding-DNA position 2322, G replaced by T.
Protein change: p.Lys774Asn; replaces lysine 774 with asparagine.
Molecular consequence: missense variant.
Genome position (GRCh38, 1-based): chr13:35,123,560, G>T. VCF-style: chr13-35123560-G-T. GRCh37 (hg19) VCF-style: chr13-35697697-G-T.
Other names: c.2322G>T, p.Lys774Asn (NM_001379245.1, NM_015678.5); short protein forms K774N.
Identifiers: ClinVar variation 1708397 (VCV001708397.3), dbSNP rs2503193770, ClinGen allele CA387833569.
Genomic context (GRCh38, chr13:35,123,560, plus strand): 5'-GGCTTCTAAAAGTGAAAGTATTTGGGTTCAAGCTTTGAAGGTTCTGGGATACTTTCTGAA[G>T]CATTTAGGTCACAAGTAAGTTGATATTTGTCATAATGCATTCTAGAAATAACTATTGAGA-3'
Protein context (NP_001371941.1, residues 764-784): QALKVLGYFL[Lys774Asn]HLGHKRKVEI